The following is an entry in ClinVar:

ClinVar aggregate classification (germline): Benign/Likely benign. Review status: criteria provided, multiple submitters, no conflicts (2 of 4 stars). 14 submissions from 14 submitters: Benign (3); Likely benign (8). 3 of the submissions do not count toward it. Last evaluated 2026-09-01.

Conditions:
Cardiovascular phenotype. Identifiers: MedGen CN230736.
Autosomal recessive limb-girdle muscular dystrophy type 2J (LGMDR10). Also called: MUSCULAR DYSTROPHY, LIMB-GIRDLE, AUTOSOMAL RECESSIVE 10; Limb-girdle muscular dystrophy, type 2J. Identifiers: Orphanet 140922, MedGen C1837342, MONDO:0012127, OMIM 608807.
Dilated cardiomyopathy 1G (CMD1G). Identifiers: Orphanet 154, MedGen C1858763, MONDO:0011400, OMIM 604145.
Cardiomyopathy (CMYO). Also called: Cardiomyopathies. Identifiers: Orphanet 167848, MedGen C0878544, MONDO:0004994, HP:0001638. Inheritance: Various modes of inheritance.

Allele frequency attached by ClinVar (database versions not stated): ExAC 0.00071; 1000 Genomes Project 0.00100; ESP Exome Variant Server 0.00173; TOPMed 0.00201; gnomAD exomes 0.00031 and 0.00067; gnomAD 0.00185; 1000 Genomes Project 30x 0.00125.
gnomAD v4.1: 754 of 1,613,492 alleles (0.047%); highest among the groups gnomAD compares: African/African-American, 0.63%; 7 homozygotes.

Submissions (14):

CeGaT Center for Human Genetics Tuebingen
Classification: Likely benign. Last evaluated: 2026-09-01. Review status: criteria provided, single submitter. Criteria: CeGaT Center For Human Genetics Tuebingen Variant Classification Criteria Version 2. Collection method: clinical testing. Allele origin: germline. Affected: yes. Observed: 5 variant alleles.
Comment: TTN: BS2

Molecular Diagnostic Laboratory for Inherited Cardiovascular Disease, Montreal Heart Institute
Classification: Likely benign. Last evaluated: 2026-03-27. Review status: criteria provided, single submitter. Criteria: ACMG Guidelines, 2015. Collection method: clinical testing. Allele origin: germline. Affected: no.

Labcorp Genetics (formerly Invitae), Labcorp
Classification: Benign for Dilated cardiomyopathy 1G; Autosomal recessive limb-girdle muscular dystrophy type 2J. Last evaluated: 2026-02-02. Review status: criteria provided, single submitter. Criteria: Invitae Variant Classification Sherloc (09022015). Collection method: clinical testing. Allele origin: germline.

Blueprint Genetics
Classification: Likely benign. Last evaluated: 2024-11-25. Review status: criteria provided, single submitter. Criteria: ACMG Guidelines, 2015. Collection method: clinical testing. Allele origin: germline.

Women's Health and Genetics/Laboratory Corporation of America, LabCorp
Classification: Likely benign. Last evaluated: 2023-08-19. Review status: criteria provided, single submitter. Criteria: LabCorp Variant Classification Summary - May 2015. Collection method: clinical testing. Allele origin: germline.

CHEO Genetics Diagnostic Laboratory, Children's Hospital of Eastern Ontario
Classification: Benign for Cardiomyopathy. Last evaluated: 2023-06-06. Review status: criteria provided, single submitter. Criteria: ACMG Guidelines, 2015. Collection method: clinical testing. Allele origin: germline. Study: Canadian Open Genetics Repository.

GeneDx
Classification: Likely benign. Last evaluated: 2020-10-01. Review status: criteria provided, single submitter. Criteria: GeneDx Variant Classification Process June 2021. Collection method: clinical testing. Allele origin: germline. Affected: yes.
Comment: This variant is associated with the following publications: (PMID: 23861362, 24033266)

Ambry Genetics
Classification: Likely benign for Cardiovascular phenotype. Last evaluated: 2018-12-24. Review status: criteria provided, single submitter. Criteria: Ambry Variant Classification Scheme 2023. Collection method: clinical testing. Allele origin: germline.

Eurofins Ntd Llc (ga)
Classification: Likely benign. Last evaluated: 2014-10-23. Review status: criteria provided, single submitter. Criteria: EGL Classification Definitions 2015. Collection method: clinical testing. Allele origin: germline. Observed: 1 variant allele, 1 heterozygote.

Biesecker Lab/Clinical Genomics Section, National Institutes of Health
Classification: Benign. Last evaluated: 2013-06-24. Review status: criteria provided, single submitter. Criteria: Ng et al. (Circ Cardiovasc Genet. 2013). Collection method: research. Allele origin: unknown. Observed: 1 variant allele. Study: ClinSeq.
Comment: The study set was not selected for affection status in relation to any cancer. Pathogenicity categories were based on literature curation. See Pubmed ID:23861362 for details.

Medical sequencing

Laboratory for Molecular Medicine, Mass General Brigham Personalized Medicine
Classification: Likely benign. Last evaluated: 2012-03-19. Review status: criteria provided, single submitter. Criteria: LMM Criteria. Collection method: clinical testing. Allele origin: germline. Observed: 1 variant allele.
Comment: Ile24612Thr in exon 275 of TTN: This variant is not expected to have clinical si gnificance because it has been identified in 0.6% (18/3170) of African American chromosomes from a broad population by the NHLBI Exome Sequencing Project. Ile24612Thr in exon 275 of TTN (allele frequency = 0.6%, 18/3170) **

Clinical Genetics DNA and cytogenetics Diagnostics Lab, Erasmus MC, Erasmus Medical Center
Classification: Likely benign. Review status: no assertion criteria provided. Collection method: clinical testing. Allele origin: germline. Affected: yes. Study: VKGL Data-share Consensus. Not counted in ClinVar's aggregate classification.

Clinical Genetics, Academic Medical Center
Classification: Benign. Review status: no assertion criteria provided. Collection method: clinical testing. Allele origin: germline. Affected: yes. Study: VKGL Data-share Consensus. Not counted in ClinVar's aggregate classification.

Laboratory of Diagnostic Genome Analysis, Leiden University Medical Center (LUMC)
Classification: Likely benign. Review status: no assertion criteria provided. Collection method: clinical testing. Allele origin: germline. Affected: yes. Study: VKGL Data-share Consensus. Not counted in ClinVar's aggregate classification.

NM_001267550.2(TTN):c.81539T>C (p.Ile27180Thr)

Genes: TTN-AS1 (TTN antisense RNA 1; plus strand), TTN (titin; minus strand). Cytogenetic location: 2q31.2.
Variant type: single nucleotide variant.
Coding change: c.81539T>C on transcript NM_001267550.2 (MANE Select); coding-DNA position 81539, T replaced by C.
Protein change: p.Ile27180Thr; replaces isoleucine 27180 with threonine.
Molecular consequence: missense variant.
Genome position (GRCh38, 1-based): chr2:178,564,593, A>G on the plus strand (T>C on the coding strand, the complement: TTN is on the minus strand). VCF-style: chr2-178564593-A-G. GRCh37 (hg19) VCF-style: chr2-179429320-A-G.
Other names: p.I24612T:ATT>ACT; c.76616T>C, p.Ile25539Thr (NM_001256850.1); c.54344T>C, p.Ile18115Thr (NM_003319.4); c.73835T>C, p.Ile24612Thr (NM_133378.4); c.54719T>C, p.Ile18240Thr (NM_133432.3); c.54920T>C, p.Ile18307Thr (NM_133437.4); short protein forms I27180T, I24612T, I25539T, I18115T, I18240T, I18307T.
Identifiers: ClinVar variation 47398 (VCV000047398.72), dbSNP rs182126530, ClinGen allele CA140882.